The following is an entry in ClinVar:

NM_002907.4(RECQL):c.427_428del (p.Leu143fs)

Gene: RECQL (RecQ like helicase; minus strand). Cytogenetic location: 12p12.1.
Variant type: Microsatellite.
Coding change: c.427_428del on transcript NM_002907.4 (MANE Select); coding-DNA positions 427 to 428, 2 bases deleted (CT; older notation c.427_428delCT).
Protein change: p.Leu143fs; shifts the reading frame from leucine 143.
Molecular consequence: frameshift variant.
Genome position (GRCh38, 1-based): chr12:21,486,552-21,486,553, AG deleted on the plus strand (CT on the coding strand, the reverse complement: RECQL is on the minus strand); deleting any 2 consecutive bases within chr12:21,486,552-21,486,558 gives the same sequence; the c. name uses the placement nearest the transcript's 3' end. VCF-style (leftmost placement, unchanged base first): chr12-21486551-AAG-A. GRCh37 (hg19) VCF-style: chr12-21639485-AAG-A.
Other names: c.427_428del, p.Leu143fs (NM_032941.3); c.427_428del (NM_002907.3); c.427_428delCT (NM_002907.3); short protein forms L143fs.
Identifiers: ClinVar variation 545926 (VCV000545926.11), dbSNP rs1473421036, ClinGen allele CA658821157.
Genomic context (GRCh38, chr12:21,486,551, plus strand): 5'-AGCATTTAACATGGTTGCTGAAATTCCTAATTGTTTTAAAACCATTAATTGGTCTTCCAT[AAG>A]AGAGATCAATGGGCAAATGACGAGTGTAAAACCTAAAAGAGAAAAAAAAAAAAATCTACC-3'

ClinVar aggregate classification (germline): Uncertain significance. Review status: criteria provided, multiple submitters, no conflicts (2 of 4 stars). 3 submissions from 3 submitters: Uncertain significance (3). Last evaluated 2024-06-13.

Submissions (3):

GeneDx
Classification: Uncertain significance. Last evaluated: 2024-06-13. Review status: criteria provided, single submitter. Criteria: GeneDx Variant Classification Process June 2021. Collection method: clinical testing. Allele origin: germline. Affected: yes.
Comment: Observed in an individual with breast cancer (PMID: 32427313); Not observed at significant frequency in large population cohorts (gnomAD); Frameshift variant predicted to result in protein truncation or nonsense mediated decay in a gene or region of a gene for which loss of function is not a well-established mechanism of disease; Variants in candidate genes are classified as variants of uncertain significance in accordance with ACMG guidelines (PMID: 25741868); This variant is associated with the following publications: (PMID: 32427313)

Labcorp Genetics (formerly Invitae), Labcorp
Classification: Uncertain significance. Last evaluated: 2022-04-28. Review status: criteria provided, single submitter. Criteria: Invitae Variant Classification Sherloc (09022015). Collection method: clinical testing. Allele origin: germline.
Comment: In summary, the available evidence is currently insufficient to determine the role of this variant in disease. Therefore, it has been classified as a Variant of Uncertain Significance. ClinVar contains an entry for this variant (Variation ID: 545926). This premature translational stop signal has been observed in individual(s) with breast cancer (PMID: 32427313). This variant is not present in population databases (gnomAD no frequency). This sequence change creates a premature translational stop signal (p.Leu143Tyrfs*22) in the RECQL gene. It is expected to result in an absent or disrupted protein product. However, the current clinical and genetic evidence is not sufficient to establish whether loss-of-function variants in RECQL cause disease.

Ambry Genetics
Classification: Uncertain significance. Last evaluated: 2021-10-21. Review status: criteria provided, single submitter. Criteria: Ambry Variant Classification Scheme 2023. Collection method: clinical testing. Allele origin: germline.
Comment: The c.427_428delCT variant, located in coding exon 4 of the RECQL gene, results from a deletion of two nucleotides at nucleotide positions 427 to 428, causing a translational frameshift with a predicted alternate stop codon (p.L143Yfs*22). This alteration is expected to result in loss of function by premature protein truncation or nonsense-mediated mRNA decay. However, the gene-disease association for RECQL is limited. Since supporting evidence is limited at this time, the clinical significance of this alteration remains unclear.

Literature cited by the submitters: PubMed 32427313 (cited by Labcorp Genetics (formerly Invitae), Labcorp).